The following is an entry in ClinVar:

NM_182706.5(SCRIB):c.2898C>T (p.Thr966=)

Gene: SCRIB (scribble planar cell polarity protein; minus strand). Cytogenetic location: 8q24.3.
Variant type: single nucleotide variant.
Coding change: c.2898C>T on transcript NM_182706.5 (MANE Select); coding-DNA position 2898, C replaced by T.
Protein change: p.Thr966=; no amino-acid change (threonine 966 retained).
Molecular consequence: synonymous variant.
Genome position (GRCh38, 1-based): chr8:143,804,679, G>A on the plus strand (C>T on the coding strand, the complement: SCRIB is on the minus strand). VCF-style: chr8-143804679-G-A. GRCh37 (hg19) VCF-style: chr8-144886849-G-A.
Other names: c.2898C>T, p.Thr966= (NM_015356.5).
Identifiers: ClinVar variation 2658914 (VCV002658914.24), dbSNP rs373268408, ClinGen allele CA4918950.

ClinVar aggregate classification (germline): Likely benign (1 of 4 stars; one submission).

Allele frequency attached by ClinVar (database versions not stated): ExAC 0.00001; gnomAD exomes 0.00001; gnomAD 0.00005; TOPMed 0.00005.

Submission:

CeGaT Center for Human Genetics Tuebingen
Classification: Likely benign. Last evaluated: 2022-09-01. Review status: criteria provided, single submitter. Criteria: CeGaT Center For Human Genetics Tuebingen Variant Classification Criteria Version 2. Collection method: clinical testing. Allele origin: germline. Affected: yes. Observed: 1 variant allele.
Comment: SCRIB: BP4, BP7